The following is an entry in ClinVar:

ClinVar aggregate classification (germline): Benign. Review status: criteria provided, multiple submitters, no conflicts (2 of 4 stars). 4 submissions from 4 submitters: Benign (3). 1 of the submissions does not count toward it. Last evaluated 2026-08-01.

Conditions:
BRD4-related disorder. Also called: BRD4-related condition.

Allele frequency attached by ClinVar (database versions not stated): gnomAD exomes 0.00037 and 0.00096; ExAC 0.00120; gnomAD 0.00376 and 0.00399; TOPMed 0.00416; ESP Exome Variant Server 0.00454; 1000 Genomes Project 0.00459; 1000 Genomes Project 30x 0.00531.
gnomAD v4.1: 1,138 of 1,607,518 alleles (0.071%); highest among the groups gnomAD compares: African/African-American, 1.4%; 15 homozygotes.

Submissions (4):

CeGaT Center for Human Genetics Tuebingen
Classification: Benign. Last evaluated: 2026-08-01. Review status: criteria provided, single submitter. Criteria: CeGaT Center For Human Genetics Tuebingen Variant Classification Criteria Version 2. Collection method: clinical testing. Allele origin: germline. Affected: yes. Observed: 3 variant alleles.
Comment: BRD4: BP4, BP7, BS1, BS2

Labcorp Genetics (formerly Invitae), Labcorp
Classification: Benign. Last evaluated: 2026-01-11. Review status: criteria provided, single submitter. Criteria: Invitae Variant Classification Sherloc (09022015). Collection method: clinical testing. Allele origin: germline.

Breakthrough Genomics
Classification: Benign. Review status: criteria provided, single submitter. Criteria: ACMG Guidelines, 2015. Collection method: not provided. Allele origin: germline. Inheritance: Unknown mechanism. Affected: yes.

PreventionGenetics, part of Exact Sciences
Classification: Benign for BRD4-related condition. Last evaluated: 2024-03-08. Review status: no assertion criteria provided. Collection method: clinical testing. Allele origin: germline. Not counted in ClinVar's aggregate classification.
Comment: This variant is classified as benign based on ACMG/AMP sequence variant interpretation guidelines (Richards et al. 2015 PMID: 25741868, with internal and published modifications).

NM_001379291.1(BRD4):c.2241G>A (p.Gln747=)

Gene: BRD4 (bromodomain containing 4; minus strand). Cytogenetic location: 19p13.12.
Variant type: single nucleotide variant.
Coding change: c.2241G>A on transcript NM_001379291.1 (MANE Select); coding-DNA position 2241, G replaced by A.
Protein change: p.Gln747=; no amino-acid change (glutamine 747 retained).
Molecular consequence: synonymous variant.
Genome position (GRCh38, 1-based): chr19:15,244,571, C>T on the plus strand (G>A on the coding strand, the complement: BRD4 is on the minus strand). VCF-style: chr19-15244571-C-T. GRCh37 (hg19) VCF-style: chr19-15355382-C-T.
Other names: c.2241G>A, p.Gln747= (NM_058243.3).
Identifiers: ClinVar variation 710758 (VCV000710758.17), dbSNP rs150480632, ClinGen allele CA9265005.
Genomic context (GRCh38, chr19:15,244,571, plus strand): 5'-AGGCGGTGGGGGCTGCTGGGGAGGCGGGGGCGGCTGCTGGGGCACAGGAGCCGGGGCCTG[C>T]TGCATCTGCTGATGGTGGTGATGATGGTGCTGCAGACAGAGAGACAGACAGACAGACAGG-3'
Protein context (NP_001366220.1, residues 737-757): KHHHHHHQQM[Gln747=]QAPAPVPQQP